The following is an entry in ClinVar:

ClinVar aggregate classification (germline): Uncertain significance. Review status: criteria provided, multiple submitters, no conflicts (2 of 4 stars). 6 submissions from 6 submitters: Uncertain significance (5). 1 of the submissions does not count toward it. Last evaluated 2025-12-15.

Conditions:
PEX1-related disorder. Also called: PEX1-related condition.
Zellweger spectrum disorders (ZS). Also called: Zellweger Spectrum Disorder; Zellweger Spectrum; Zellweger syndrome; Zellweger Spectrum Disorder (ZSD). Identifiers: Orphanet 912, MedGen C0043459, MONDO:0019609.
Inborn genetic diseases. Identifiers: MedGen C0950123, MeSH D030342.

Allele frequency attached by ClinVar (database versions not stated): gnomAD exomes below 0.00001 and 0.00002; ExAC 0.00001; gnomAD 0.00002; TOPMed 0.00004.

Submissions (6):

Ambry Genetics
Classification: Uncertain significance for Inborn genetic diseases. Last evaluated: 2025-12-15. Review status: criteria provided, single submitter. Criteria: Ambry Variant Classification Scheme 2023. Collection method: clinical testing. Allele origin: germline.
Comment: The c.1240A>G (p.I414V) alteration is located in exon 6 (coding exon 6) of the PEX1 gene. This alteration results from a A to G substitution at nucleotide position 1240, causing the isoleucine (I) at amino acid position 414 to be replaced by a valine (V). Based on data from gnomAD, the G allele has an overall frequency of 0.002% (4/242864) total alleles studied. The highest observed frequency was 0.012% (4/33252) of Latino alleles. Based on insufficient or conflicting evidence, the clinical significance of this alteration remains unclear.

PreventionGenetics, part of Exact Sciences
Classification: Uncertain significance for PEX1-related condition. Last evaluated: 2025-11-17. Review status: criteria provided, single submitter. Criteria: ACMG Guidelines, 2015. Collection method: clinical testing. Allele origin: germline.
Comment: The PEX1 c.1240A>G variant is predicted to result in the amino acid substitution p.Ile414Val. To our knowledge, this variant has not been reported in the literature. This variant is reported in 0.012% of alleles in individuals of Latino descent in gnomAD. At this time, the clinical significance of this variant is uncertain due to the absence of conclusive functional and genetic evidence.

Labcorp Genetics (formerly Invitae), Labcorp
Classification: Uncertain significance for Zellweger spectrum disorders. Last evaluated: 2025-01-26. Review status: criteria provided, single submitter. Criteria: Invitae Variant Classification Sherloc (09022015). Collection method: clinical testing. Allele origin: germline.
Comment: This sequence change replaces isoleucine, which is neutral and non-polar, with valine, which is neutral and non-polar, at codon 414 of the PEX1 protein (p.Ile414Val). This variant is present in population databases (rs759491353, gnomAD 0.009%). This variant has not been reported in the literature in individuals affected with PEX1-related conditions. ClinVar contains an entry for this variant (Variation ID: 596776). Invitae Evidence Modeling of protein sequence and biophysical properties (such as structural, functional, and spatial information, amino acid conservation, physicochemical variation, residue mobility, and thermodynamic stability) indicates that this missense variant is not expected to disrupt PEX1 protein function with a negative predictive value of 95%. In summary, the available evidence is currently insufficient to determine the role of this variant in disease. Therefore, it has been classified as a Variant of Uncertain Significance.

GeneDx
Classification: Uncertain significance. Last evaluated: 2024-12-10. Review status: criteria provided, single submitter. Criteria: GeneDx Variant Classification Process June 2021. Collection method: clinical testing. Allele origin: germline. Affected: yes.
Comment: Not observed at significant frequency in large population cohorts (gnomAD); In silico analysis indicates that this missense variant does not alter protein structure/function; Has not been previously published as pathogenic or benign to our knowledge

Eurofins Ntd Llc (ga)
Classification: Uncertain significance. Last evaluated: 2018-04-04. Review status: criteria provided, single submitter. Criteria: EGL ClinVar v180209 classification definitions. Collection method: clinical testing. Allele origin: germline. Observed: 4 variant alleles, 4 heterozygotes.

Natera, Inc.
Classification: Uncertain significance for Zellweger syndrome. Last evaluated: 2017-10-17. Review status: no assertion criteria provided. Collection method: clinical testing. Allele origin: germline. Not counted in ClinVar's aggregate classification.

NM_000466.3(PEX1):c.1240A>G (p.Ile414Val)

Gene: PEX1 (peroxisomal biogenesis factor 1; minus strand). Cytogenetic location: 7q21.2.
Variant type: single nucleotide variant.
Coding change: c.1240A>G on transcript NM_000466.3 (MANE Select); coding-DNA position 1240, A replaced by G.
Protein change: p.Ile414Val; replaces isoleucine 414 with valine.
Molecular consequence: missense variant.
Genome position (GRCh38, 1-based): chr7:92,513,967, T>C on the plus strand (A>G on the coding strand, the complement: PEX1 is on the minus strand). VCF-style: chr7-92513967-T-C. GRCh37 (hg19) VCF-style: chr7-92143281-T-C.
Other names: c.1240A>G, p.Ile414Val (NM_001282677.2); c.616A>G, p.Ile206Val (NM_001282678.2); short protein forms I414V, I206V.
Identifiers: ClinVar variation 596776 (VCV000596776.16), dbSNP rs759491353, ClinGen allele CA4341453.